The following is an entry in ClinVar:

ClinVar aggregate classification (germline): Uncertain significance. Review status: criteria provided, multiple submitters, no conflicts (2 of 4 stars). 2 submissions from 2 submitters: Uncertain significance (2). Last evaluated 2025-02-13.

Conditions:
Inborn genetic diseases. Identifiers: MedGen C0950123, MeSH D030342.

Allele frequency attached by ClinVar (database versions not stated): TOPMed below 0.00001; gnomAD 0.00001.
gnomAD v4.1: 1 of 1,614,136 alleles (0.000062%); highest among the groups gnomAD compares: Admixed American, 0.0017%; no homozygotes.

Submissions (2):

Ambry Genetics
Classification: Uncertain significance for Inborn genetic diseases. Last evaluated: 2025-02-13. Review status: criteria provided, single submitter. Criteria: Ambry Variant Classification Scheme 2023. Collection method: clinical testing. Allele origin: germline.

CeGaT Center for Human Genetics Tuebingen
Classification: Uncertain significance. Last evaluated: 2024-02-01. Review status: criteria provided, single submitter. Criteria: CeGaT Center For Human Genetics Tuebingen Variant Classification Criteria Version 2. Collection method: clinical testing. Allele origin: germline. Affected: yes. Observed: 1 variant allele.
Comment: ERCC6: PM2, BP4

NM_000124.4(ERCC6):c.233A>G (p.His78Arg)

Gene: ERCC6 (ERCC excision repair 6, chromatin remodeling factor; minus strand). Cytogenetic location: 10q11.23.
Variant type: single nucleotide variant.
Coding change: c.233A>G on transcript NM_000124.4 (MANE Select); coding-DNA position 233, A replaced by G.
Protein change: p.His78Arg; replaces histidine 78 with arginine.
Molecular consequence: missense variant.
Genome position (GRCh38, 1-based): chr10:49,532,732, T>C on the plus strand (A>G on the coding strand, the complement: ERCC6 is on the minus strand). VCF-style: chr10-49532732-T-C. GRCh37 (hg19) VCF-style: chr10-50740778-T-C.
Other names: c.233A>G, p.His78Arg (NM_001277058.2, NM_001277059.2, NM_001346440.2); short protein forms H78R.
Identifiers: ClinVar variation 3027240 (VCV003027240.23), dbSNP rs1837499475, ClinGen allele CA376713022.